The following is an entry in ClinVar:

ClinVar aggregate classification (germline): Uncertain significance (1 of 4 stars; one submission).

Conditions:
Mosaic variegated aneuploidy syndrome 2 (MVA2). Identifiers: Orphanet 1052, MedGen C3279843, MONDO:0013582, OMIM 614114.

Submission:

Labcorp Genetics (formerly Invitae), Labcorp
Classification: Uncertain significance for Mosaic variegated aneuploidy syndrome 2. Last evaluated: 2022-06-13. Review status: criteria provided, single submitter. Criteria: Invitae Variant Classification Sherloc (09022015). Collection method: clinical testing. Allele origin: germline.
Comment: In summary, the available evidence is currently insufficient to determine the role of this variant in disease. Therefore, it has been classified as a Variant of Uncertain Significance. Algorithms developed to predict the effect of missense changes on protein structure and function (SIFT, PolyPhen-2, Align-GVGD) all suggest that this variant is likely to be tolerated. This variant has not been reported in the literature in individuals affected with CEP57-related conditions. This variant is not present in population databases (gnomAD no frequency). This sequence change replaces glycine, which is neutral and non-polar, with arginine, which is basic and polar, at codon 455 of the CEP57 protein (p.Gly455Arg).

NM_014679.5(CEP57):c.1363G>A (p.Gly455Arg)

Gene: CEP57 (centrosomal protein 57; plus strand). Cytogenetic location: 11q21.
Variant type: single nucleotide variant.
Coding change: c.1363G>A on transcript NM_014679.5 (MANE Select); coding-DNA position 1363, G replaced by A.
Protein change: p.Gly455Arg; replaces glycine 455 with arginine.
Molecular consequence: missense variant.
Genome position (GRCh38, 1-based): chr11:95,831,116, G>A. VCF-style: chr11-95831116-G-A. GRCh37 (hg19) VCF-style: chr11-95564280-G-A.
Other names: c.1336G>A, p.Gly446Arg (NM_001243776.2); c.1285G>A, p.Gly429Arg (NM_001243777.2); c.1282G>A, p.Gly428Arg (NM_001363604.2); short protein forms G446R, G428R, G429R, G455R.
Identifiers: ClinVar variation 2005633 (VCV002005633.4), dbSNP rs2496352340, ClinGen allele CA382409703.